The following is an entry in ClinVar:

ClinVar aggregate classification (germline): Benign. Review status: criteria provided, multiple submitters, no conflicts (2 of 4 stars). 3 submissions from 3 submitters: Benign (2). 1 of the submissions does not count toward it. Last evaluated 2026-02-02.

Conditions:
HCFC1-related disorder. Also called: HCFC1-related condition.
Methylmalonic acidemia with homocystinuria, type cblX (MAHCX). Also called: INTELLECTUAL DEVELOPMENTAL DISORDER, X-LINKED 3. Identifiers: Orphanet 369962, MedGen C0796208, MONDO:0010657, OMIM 309541.

Allele frequency attached by ClinVar (database versions not stated): gnomAD 0.00009 and 0.00059; TOPMed 0.00022; gnomAD exomes 0.00116 and 0.00279; ExAC 0.00303; 1000 Genomes Project 30x 0.00604; 1000 Genomes Project 0.00636.
gnomAD v4.1: 1,399 of 1,209,544 alleles (0.12%); highest among the groups gnomAD compares: South Asian, 2.1%; 10 homozygotes.

Submissions (3):

Labcorp Genetics (formerly Invitae), Labcorp
Classification: Benign for Methylmalonic acidemia with homocystinuria, type cblX. Last evaluated: 2026-02-02. Review status: criteria provided, single submitter. Criteria: Invitae Variant Classification Sherloc (09022015). Collection method: clinical testing. Allele origin: germline.

Genetic Services Laboratory, University of Chicago
Classification: Benign. Last evaluated: 2020-05-15. Review status: criteria provided, single submitter. Criteria: ACMG Guidelines, 2015. Collection method: clinical testing. Allele origin: germline. Affected: no.

PreventionGenetics, part of Exact Sciences
Classification: Benign for HCFC1-related condition. Last evaluated: 2019-07-18. Review status: no assertion criteria provided. Collection method: clinical testing. Allele origin: germline. Not counted in ClinVar's aggregate classification.
Comment: This variant is classified as benign based on ACMG/AMP sequence variant interpretation guidelines (Richards et al. 2015 PMID: 25741868, with internal and published modifications).

NM_005334.3(HCFC1):c.5490G>A (p.Leu1830=)

Gene: HCFC1 (host cell factor C1; minus strand). Cytogenetic location: Xq28.
Variant type: single nucleotide variant.
Coding change: c.5490G>A on transcript NM_005334.3 (MANE Select); coding-DNA position 5490, G replaced by A.
Protein change: p.Leu1830=; no amino-acid change (leucine 1830 retained).
Molecular consequence: synonymous variant.
Genome position (GRCh38, 1-based): chrX:153,951,377, C>T on the plus strand (G>A on the coding strand, the complement: HCFC1 is on the minus strand). VCF-style: chrX-153951377-C-T. GRCh37 (hg19) VCF-style: chrX-153216828-C-T.
Identifiers: ClinVar variation 710703 (VCV000710703.16), dbSNP rs376294666, ClinGen allele CA10556770.